The following is an entry in ClinVar:

NM_001374736.1(DST):c.18893A>G (p.Glu6298Gly)

Gene: DST (dystonin; minus strand). Cytogenetic location: 6p12.1.
Variant type: single nucleotide variant.
Coding change: c.18893A>G on transcript NM_001374736.1 (MANE Select); coding-DNA position 18893, A replaced by G.
Protein change: p.Glu6298Gly; replaces glutamic acid 6298 with glycine.
Molecular consequence: missense variant.
Genome position (GRCh38, 1-based): chr6:56,509,761, T>C on the plus strand (A>G on the coding strand, the complement: DST is on the minus strand). VCF-style: chr6-56509761-T-C. GRCh37 (hg19) VCF-style: chr6-56374559-T-C.
Other names: c.12536A>G, p.Glu4179Gly (NM_001144769.5); c.12122A>G, p.Glu4041Gly (NM_001144770.2); c.18893A>G, p.Glu6298Gly (NM_001374722.1); c.17933A>G, p.Glu5978Gly (NM_001374729.1); c.11675A>G, p.Glu3892Gly (NM_001374730.1); c.18920A>G, p.Glu6307Gly (NM_001374734.1); c.12002A>G, p.Glu4001Gly (NM_001386100.1, NM_183380.4); c.11024A>G, p.Glu3675Gly (NM_015548.5); short protein forms E3892G, E5978G, E4041G, E3675G, E4001G, E4179G, E6298G, E6307G.
Identifiers: ClinVar variation 2008354 (VCV002008354.4), dbSNP rs2534337734, ClinGen allele CA364524105.

ClinVar aggregate classification (germline): Uncertain significance (1 of 4 stars; one submission).

Conditions:
Epidermolysis bullosa simplex 3, localized or generalized intermediate, with BP230 deficiency (EBS3). Also called: Epidermolysis bullosa simplex, autosomal recessive 2; Epidermolysis bullosa simplex due to BP230 deficiency. Identifiers: Orphanet 412181, MedGen C3809470, MONDO:0014180, OMIM 615425.
Hereditary sensory and autonomic neuropathy type 6. Also called: HSAN VI; Neuropathy, hereditary sensory and autonomic, type VI. Identifiers: Orphanet 314381, MedGen C3539003, MONDO:0013839, OMIM 614653.

Submission:

Labcorp Genetics (formerly Invitae), Labcorp
Classification: Uncertain significance for Epidermolysis bullosa simplex 3, localized or generalized intermediate, with BP230 deficiency; Hereditary sensory and autonomic neuropathy type 6. Last evaluated: 2024-07-15. Review status: criteria provided, single submitter. Criteria: Invitae Variant Classification Sherloc (09022015). Collection method: clinical testing. Allele origin: germline.
Comment: The DST gene has multiple clinically relevant transcripts. This variant occurs in alternate transcript NM_015548.4, and corresponds to NM_001723.5: c.*105756A>G in the primary transcript. This sequence change replaces glutamic acid, which is acidic and polar, with glycine, which is neutral and non-polar, at codon 3675 of the DST protein (p.Glu3675Gly). This variant is not present in population databases (gnomAD no frequency). This variant has not been reported in the literature in individuals affected with DST-related conditions. Experimental studies and prediction algorithms are not available or were not evaluated, and the functional significance of this variant is currently unknown. In summary, the available evidence is currently insufficient to determine the role of this variant in disease. Therefore, it has been classified as a Variant of Uncertain Significance.